The following is an entry in ClinVar:

NM_006494.4(ERF):c.227T>C (p.Met76Thr)

Gene: ERF (ETS2 repressor factor; minus strand). Cytogenetic location: 19q13.2.
Variant type: single nucleotide variant.
Coding change: c.227T>C on transcript NM_006494.4 (MANE Select); coding-DNA position 227, T replaced by C.
Protein change: p.Met76Thr; replaces methionine 76 with threonine.
Molecular consequence: missense variant. On other transcripts: initiator codon variant (3).
Genome position (GRCh38, 1-based): chr19:42,250,361, A>G on the plus strand (T>C on the coding strand, the complement: ERF is on the minus strand). VCF-style: chr19-42250361-A-G. GRCh37 (hg19) VCF-style: chr19-42754513-A-G.
Other names: c.2T>C, p.Met1Thr (NM_001301035.2, NM_001308402.2, NM_001312656.2); c.227T>C (NM_006494.2); short protein forms M1T, M76T.
Identifiers: ClinVar variation 3711768 (VCV003711768.3).

ClinVar aggregate classification (germline): Uncertain significance. Review status: criteria provided, multiple submitters, no conflicts (2 of 4 stars). 2 submissions from 2 submitters: Uncertain significance (2). Last evaluated 2025-06-04.

Conditions:
TWIST1-related craniosynostosis (CRS1). Also called: CRANIOSYNOSTOSIS 1. Identifiers: Orphanet 63440, MedGen C4551902, MONDO:0007399, OMIM 123100. Inheritance: Heterogenous inheritance pattern.

Submissions (2):

GeneDx
Classification: Uncertain significance. Last evaluated: 2025-06-04. Review status: criteria provided, single submitter. Criteria: GeneDx Variant Classification Process June 2021. Collection method: clinical testing. Allele origin: germline. Affected: yes.
Comment: Not observed at significant frequency in large population cohorts (gnomAD); In silico analysis supports that this missense variant has a deleterious effect on protein structure/function; Has not been previously published as pathogenic or benign to our knowledge

Labcorp Genetics (formerly Invitae), Labcorp
Classification: Uncertain significance for TWIST1-related craniosynostosis. Last evaluated: 2024-09-16. Review status: criteria provided, single submitter. Criteria: Invitae Variant Classification Sherloc (09022015). Collection method: clinical testing. Allele origin: germline.
Comment: This sequence change replaces methionine, which is neutral and non-polar, with threonine, which is neutral and polar, at codon 76 of the ERF protein (p.Met76Thr). This variant is not present in population databases (gnomAD no frequency). This variant has not been reported in the literature in individuals affected with ERF-related conditions. This missense change has been observed in at least one individual who was not affected with ERF-related conditions (internal data). Invitae Evidence Modeling of protein sequence and biophysical properties (such as structural, functional, and spatial information, amino acid conservation, physicochemical variation, residue mobility, and thermodynamic stability) indicates that this missense variant is expected to disrupt ERF protein function with a positive predictive value of 80%. In summary, the available evidence is currently insufficient to determine the role of this variant in disease. Therefore, it has been classified as a Variant of Uncertain Significance.